The following is an entry in ClinVar:

ClinVar aggregate classification (germline): Pathogenic (1 of 4 stars; one submission).

Conditions:
Muscular dystrophy-dystroglycanopathy (congenital with brain and eye anomalies), type a, 11 (MDDGA11). Also called: WALKER-WARBURG SYNDROME OR MUSCLE-EYE-BRAIN DISEASE, B3GALNT2-RELATED; Muscular dystrophy-dystroglycanopathy (congenital with brain and eye anomalies, type A, 11; Congenital muscular dystrophy-dystroglycanopathy with brain and eye anomalies, type A11. Identifiers: Orphanet 588, Orphanet 899, MedGen C3554638, MONDO:0014071, OMIM 615181.

Allele frequency attached by ClinVar (database versions not stated): TOPMed below 0.00001.
gnomAD v4.1: 11 of 1,612,612 alleles (0.00068%); highest among the groups gnomAD compares: East Asian, 0.0022%; no homozygotes.

Submission:

Labcorp Genetics (formerly Invitae), Labcorp
Classification: Pathogenic for Muscular dystrophy-dystroglycanopathy (congenital with brain and eye anomalies), type a, 11. Last evaluated: 2025-11-16. Review status: criteria provided, single submitter. Criteria: Invitae Variant Classification Sherloc (09022015). Collection method: clinical testing. Allele origin: germline.
Comment: This sequence change creates a premature translational stop signal (p.Arg67*) in the B3GALNT2 gene. It is expected to result in an absent or disrupted protein product. Loss-of-function variants in B3GALNT2 are known to be pathogenic (PMID: 23453667). This variant is present in population databases (no rsID available, gnomAD 0.006%). This variant has not been reported in the literature in individuals affected with B3GALNT2-related conditions. ClinVar contains an entry for this variant (Variation ID: 847124). For these reasons, this variant has been classified as Pathogenic.

Literature cited by the submitters: PubMed 23453667.

NM_152490.5(B3GALNT2):c.199C>T (p.Arg67Ter)

Gene: B3GALNT2 (beta-1,3-N-acetylgalactosaminyltransferase 2; minus strand). Cytogenetic location: 1q42.3.
Variant type: single nucleotide variant.
Coding change: c.199C>T on transcript NM_152490.5 (MANE Select); coding-DNA position 199, C replaced by T.
Protein change: p.Arg67Ter; replaces arginine 67 with a stop codon.
Molecular consequence: nonsense.
Genome position (GRCh38, 1-based): chr1:235,494,742, G>A on the plus strand (C>T on the coding strand, the complement: B3GALNT2 is on the minus strand). VCF-style: chr1-235494742-G-A. GRCh37 (hg19) VCF-style: chr1-235658052-G-A.
Other names: c.322C>T, p.Arg108Ter (NM_001277155.3); short protein forms R108*, R67*.
Identifiers: ClinVar variation 847124 (VCV000847124.7), dbSNP rs760816239, ClinGen allele CA344931158.